The following is an entry in ClinVar:

ClinVar aggregate classification (germline): Pathogenic/Likely pathogenic. Review status: criteria provided, multiple submitters, no conflicts (2 of 4 stars). 4 submissions from 4 submitters: Pathogenic (1); Likely pathogenic (2). 1 of the submissions does not count toward it. Last evaluated 2025-12-12.

Conditions:
Leber congenital amaurosis (LCA). Also called: Leber's amaurosis. Identifiers: Orphanet 65, MedGen C0339527, MeSH D057130, MONDO:0018998.
Retinitis pigmentosa 12 (RP12). Also called: RP WITH OR WITHOUT PRESERVED PARAARTERIOLE RETINAL PIGMENT EPITHELIUM; RETINITIS PIGMENTOSA WITH OR WITHOUT PARAARTERIOLAR PRESERVATION OF RETINAL PIGMENT EPITHELIUM; RP WITH OR WITHOUT PPRPE. Identifiers: Orphanet 791, MedGen C1838647, MONDO:0010818, OMIM 600105.
CRB1-related disorder. Also called: CRB1-related disorders; CRB1-related condition.

Submissions (4):

Research Institute for Ophthalmology and Vision Science, Shahid Beheshti University of Medical Sciences
Classification: Likely pathogenic for Retinitis pigmentosa 12. Last evaluated: 2025-12-12. Review status: criteria provided, single submitter. Criteria: ACMG Guidelines, 2015. Collection method: research. Allele origin: inherited. Inheritance: Autosomal recessive inheritance. Affected: yes.
Comment: NM_201253.3(CRB1):c.482C>T has an extremely low frequency in gnomAD databases. It has been found in a homozygous state in patients and co-segregates with the disease in affected family members. Computational prediction tools identified it as deleterious. CRB1 also exhibits a low rate of benign missense mutations.

Natera, Inc.
Classification: Likely pathogenic for Leber congenital amaurosis. Last evaluated: 2024-08-20. Review status: criteria provided, single submitter. Criteria: Natera Variant Classification Schema (03/2026). Collection method: clinical testing. Allele origin: germline.
Comment: The c.482C>T variant in CRB1 is a missense variant predicted to cause substitution of alanine to valine at amino acid 161. This variant is rare in the general population with a frequency below the threshold expected for the associated phenotype(s). This variant has been observed in one or more individuals affected with the associated recessive disease, as either homozygous or compound heterozygous with a second variant (PMID: 21217109). A different variant at the same position has been determined to be Pathogenic or Likely Pathogenic. Computational prediction algorithms indicate this variant is likely to affect gene or protein function. Given the available evidence, this variant is classified as Likely Pathogenic.

Blueprint Genetics
Classification: Pathogenic for CRB1-related disorders. Last evaluated: 2022-10-26. Review status: criteria provided, single submitter. Criteria: ACMG Guidelines, 2015. Collection method: clinical testing. Allele origin: germline. Affected: yes. Observed: 1 variant allele.

Retina International
No classification provided. Review status: no classification provided. Collection method: not provided. Allele origin: not provided. Not counted in ClinVar's aggregate classification.

Literature cited by the submitters: PubMed 21217109 (cited by Natera, Inc.).

NM_201253.3(CRB1):c.482C>T (p.Ala161Val)

Gene: CRB1 (crumbs cell polarity complex component 1; plus strand). Cytogenetic location: 1q31.3.
Variant type: single nucleotide variant.
Coding change: c.482C>T on transcript NM_201253.3 (MANE Select); coding-DNA position 482, C replaced by T.
Protein change: p.Ala161Val; replaces alanine 161 with valine.
Molecular consequence: missense variant. On other transcripts: non-coding transcript variant (2).
Genome position (GRCh38, 1-based): chr1:197,328,833, C>T. VCF-style: chr1-197328833-C-T. GRCh37 (hg19) VCF-style: chr1-197297963-C-T.
Other names: c.482C>T, p.Ala161Val (NM_001193640.2, NM_001257966.2); c.275C>T, p.Ala92Val (NM_001257965.2); short protein forms A161V, A92V.
Identifiers: ClinVar variation 99911 (VCV000099911.3), dbSNP rs62635651, ClinGen allele CA228052.